The following is an entry in ClinVar:

NM_006231.4(POLE):c.3605A>G (p.Glu1202Gly)

Gene: POLE (DNA polymerase epsilon, catalytic subunit; minus strand). Cytogenetic location: 12q24.33.
Variant type: single nucleotide variant.
Coding change: c.3605A>G on transcript NM_006231.4 (MANE Select); coding-DNA position 3605, A replaced by G.
Protein change: p.Glu1202Gly; replaces glutamic acid 1202 with glycine.
Molecular consequence: missense variant.
Genome position (GRCh38, 1-based): chr12:132,649,867, T>C on the plus strand (A>G on the coding strand, the complement: POLE is on the minus strand). VCF-style: chr12-132649867-T-C. GRCh37 (hg19) VCF-style: chr12-133226453-T-C.
Other names: short protein forms E1202G.
Identifiers: ClinVar variation 579658 (VCV000579658.13), dbSNP rs778446376, ClinGen allele CA6893160.
Genomic context (GRCh38, chr12:132,649,867, plus strand): 5'-TGAGGCAGCTTTACGAGGCCGAAGTCCTCCATGTCAGGAGCACTTGGCCTCGGACTGTCT[T>C]CTGAGGCCTCGGCCATCGTGACCTGGAAAGACCCAGTGAAGCCTTAAATCTCAGGATCTC-3'
Protein context (NP_006222.2, residues 1192-1212): RRQVTMAEAS[Glu1202Gly]DSPRPSAPDM

ClinVar aggregate classification (germline): Conflicting classifications of pathogenicity. Review status: criteria provided, conflicting classifications (1 of 4 stars). 3 submissions from 3 submitters: Uncertain significance (2); Likely benign (1). Last evaluated 2024-12-23.

Conditions:
Hereditary cancer-predisposing syndrome. Also called: Neoplastic Syndromes, Hereditary; Tumor predisposition; Hereditary neoplastic syndrome; Hereditary Cancer Syndrome. Identifiers: Orphanet 140162, MedGen C0027672, MeSH D009386, MONDO:0015356.

Allele frequency attached by ClinVar (database versions not stated): gnomAD exomes below 0.00001 and 0.00002; ExAC 0.00001; gnomAD 0.00001; TOPMed 0.00001.
gnomAD v4.1: 4 of 1,613,922 alleles (0.00025%); highest among the groups gnomAD compares: African/African-American, 0.004%; no homozygotes.

Submissions (3):

Ambry Genetics
Classification: Likely benign for Hereditary cancer-predisposing syndrome. Last evaluated: 2024-12-23. Review status: criteria provided, single submitter. Criteria: Ambry Variant Classification Scheme 2023. Collection method: clinical testing. Allele origin: germline.

GeneDx
Classification: Uncertain significance. Last evaluated: 2024-12-08. Review status: criteria provided, single submitter. Criteria: GeneDx Variant Classification Process June 2021. Collection method: clinical testing. Allele origin: germline. Affected: yes.
Comment: Not observed at significant frequency in large population cohorts (gnomAD); In silico analysis indicates that this missense variant does not alter protein structure/function; Has not been previously published as pathogenic or benign to our knowledge

Labcorp Genetics (formerly Invitae), Labcorp
Classification: Uncertain significance. Last evaluated: 2024-10-15. Review status: criteria provided, single submitter. Criteria: Invitae Variant Classification Sherloc (09022015). Collection method: clinical testing. Allele origin: germline.
Comment: This sequence change replaces glutamic acid, which is acidic and polar, with glycine, which is neutral and non-polar, at codon 1202 of the POLE protein (p.Glu1202Gly). This variant is present in population databases (rs778446376, gnomAD 0.02%). This variant has not been reported in the literature in individuals affected with POLE-related conditions. ClinVar contains an entry for this variant (Variation ID: 579658). An algorithm developed to predict the effect of missense changes on protein structure and function outputs the following: PolyPhen-2: "Benign". The glycine amino acid residue is found in multiple mammalian species, which suggests that this missense change does not adversely affect protein function. In summary, the available evidence is currently insufficient to determine the role of this variant in disease. Therefore, it has been classified as a Variant of Uncertain Significance.